The following is an entry in ClinVar:

NM_153026.3(PRICKLE1):c.2107C>G (p.Leu703Val)

Gene: PRICKLE1 (prickle planar cell polarity protein 1; minus strand). Cytogenetic location: 12q12.
Variant type: single nucleotide variant.
Coding change: c.2107C>G on transcript NM_153026.3 (MANE Select); coding-DNA position 2107, C replaced by G.
Protein change: p.Leu703Val; replaces leucine 703 with valine.
Molecular consequence: missense variant.
Genome position (GRCh38, 1-based): chr12:42,460,198, G>C on the plus strand (C>G on the coding strand, the complement: PRICKLE1 is on the minus strand). VCF-style: chr12-42460198-G-C. GRCh37 (hg19) VCF-style: chr12-42854000-G-C.
Other names: c.2107C>G, p.Leu703Val (NM_001144881.2, NM_001144882.2, NM_001144883.2); short protein forms L703V.
Identifiers: ClinVar variation 1000177 (VCV001000177.9), dbSNP rs1937760935, ClinGen allele CA384440191.

ClinVar aggregate classification (germline): Uncertain significance (1 of 4 stars; one submission).

Conditions:
Epilepsy, progressive myoclonic, 1B. Also called: PME. Identifiers: Orphanet 308, MedGen C2676254, MONDO:0012904, OMIM 612437.

Allele frequency attached by ClinVar (database versions not stated): gnomAD exomes 0.00001.
gnomAD v4.1: 5 of 1,614,154 alleles (0.00031%); highest among the groups gnomAD compares: Non-Finnish European, 0.00042%; no homozygotes.

Submission:

Labcorp Genetics (formerly Invitae), Labcorp
Classification: Uncertain significance for Epilepsy, progressive myoclonic, 1B. Last evaluated: 2020-01-27. Review status: criteria provided, single submitter. Criteria: Invitae Variant Classification Sherloc (09022015). Collection method: clinical testing. Allele origin: germline.
Comment: In summary, the available evidence is currently insufficient to determine the role of this variant in disease. Therefore, it has been classified as a Variant of Uncertain Significance. Algorithms developed to predict the effect of missense changes on protein structure and function (SIFT, PolyPhen-2, Align-GVGD) all suggest that this variant is likely to be tolerated, but these predictions have not been confirmed by published functional studies and their clinical significance is uncertain. This variant has not been reported in the literature in individuals with PRICKLE1-related conditions. This variant is not present in population databases (ExAC no frequency). This sequence change replaces leucine with valine at codon 703 of the PRICKLE1 protein (p.Leu703Val). The leucine residue is moderately conserved and there is a small physicochemical difference between leucine and valine.